The following is an entry in ClinVar:

ClinVar aggregate classification (germline): Uncertain significance (1 of 4 stars; one submission).

Conditions:
Long QT syndrome (LQTS). Identifiers: MedGen C0023976, MeSH D008133, MONDO:0002442. Disease mechanism: loss of function. Inheritance: Various modes of inheritance.

Submission:

Labcorp Genetics (formerly Invitae), Labcorp
Classification: Uncertain significance for Long QT syndrome. Last evaluated: 2024-11-06. Review status: criteria provided, single submitter. Criteria: Invitae Variant Classification Sherloc (09022015). Collection method: clinical testing. Allele origin: germline.
Comment: This sequence change replaces glutamine, which is neutral and polar, with arginine, which is basic and polar, at codon 3446 of the AKAP9 protein (p.Gln3446Arg). This variant is not present in population databases (gnomAD no frequency). This variant has not been reported in the literature in individuals affected with AKAP9-related conditions. An algorithm developed to predict the effect of missense changes on protein structure and function outputs the following: PolyPhen-2: "Benign". The arginine amino acid residue is found in multiple mammalian species, which suggests that this missense change does not adversely affect protein function. In summary, the available evidence is currently insufficient to determine the role of this variant in disease. Therefore, it has been classified as a Variant of Uncertain Significance.

NM_005751.5(AKAP9):c.10337A>G (p.Gln3446Arg)

Gene: AKAP9 (A-kinase anchoring protein 9; plus strand). Cytogenetic location: 7q21.2.
Variant type: single nucleotide variant.
Coding change: c.10337A>G on transcript NM_005751.5 (MANE Select); coding-DNA position 10337, A replaced by G.
Protein change: p.Gln3446Arg; replaces glutamine 3446 with arginine.
Molecular consequence: missense variant.
Genome position (GRCh38, 1-based): chr7:92,097,296, A>G. VCF-style: chr7-92097296-A-G. GRCh37 (hg19) VCF-style: chr7-91726610-A-G.
Other names: c.4982A>G, p.Gln1661Arg (NM_001379277.1); c.10313A>G, p.Gln3438Arg (NM_147185.3); short protein forms Q1661R, Q3446R, Q3438R.
Identifiers: ClinVar variation 3688943 (VCV003688943.2).
Genomic context (GRCh38, chr7:92,097,296, plus strand): 5'-TTTATAAGTTAGACCTTGAAGGACAGCGACTACAAGGAATCATGCAGGAATTCCAGAAGC[A>G]AGAACTAGAACGAGAAGAAAAACGAGAAAGTAGAAGAATTCTGTATCAGAACCTTAATGA-3'
Protein context (NP_005742.4, residues 3436-3456): LQGIMQEFQK[Gln3446Arg]ELEREEKRES